The following is an entry in ClinVar:

ClinVar aggregate classification (germline): Uncertain significance. Review status: criteria provided, multiple submitters, no conflicts (2 of 4 stars). 2 submissions from 2 submitters: Uncertain significance (2). Last evaluated 2023-10-20.

Allele frequency attached by ClinVar (database versions not stated): gnomAD exomes below 0.00001; gnomAD 0.00003; TOPMed 0.00010.
gnomAD v4.1: 8 of 1,613,776 alleles (0.0005%); highest among the groups gnomAD compares: Admixed American, 0.0067%; no homozygotes.

Submissions (2):

Ambry Genetics
Classification: Uncertain significance. Last evaluated: 2023-10-20. Review status: criteria provided, single submitter. Criteria: Ambry Variant Classification Scheme 2023. Collection method: clinical testing. Allele origin: germline.

Labcorp Genetics (formerly Invitae), Labcorp
Classification: Uncertain significance. Last evaluated: 2022-07-25. Review status: criteria provided, single submitter. Criteria: Invitae Variant Classification Sherloc (09022015). Collection method: clinical testing. Allele origin: germline.
Comment: This sequence change replaces arginine, which is basic and polar, with glutamine, which is neutral and polar, at codon 235 of the LIG1 protein (p.Arg235Gln). This variant is present in population databases (no rsID available, gnomAD 0.0009%). This variant has not been reported in the literature in individuals affected with LIG1-related conditions. ClinVar contains an entry for this variant (Variation ID: 1450666). Algorithms developed to predict the effect of missense changes on protein structure and function are either unavailable or do not agree on the potential impact of this missense change (SIFT: "Tolerated"; PolyPhen-2: "Possibly Damaging"; Align-GVGD: "Class C0"). Algorithms developed to predict the effect of sequence changes on RNA splicing suggest that this variant may create or strengthen a splice site. In summary, the available evidence is currently insufficient to determine the role of this variant in disease. Therefore, it has been classified as a Variant of Uncertain Significance.

NM_000234.3(LIG1):c.704G>A (p.Arg235Gln)

Gene: LIG1 (DNA ligase 1; minus strand). Cytogenetic location: 19q13.33.
Variant type: single nucleotide variant.
Coding change: c.704G>A on transcript NM_000234.3 (MANE Select); coding-DNA position 704, G replaced by A.
Protein change: p.Arg235Gln; replaces arginine 235 with glutamine.
Molecular consequence: missense variant. On other transcripts: non-coding transcript variant (6).
Genome position (GRCh38, 1-based): chr19:48,149,835, C>T on the plus strand (G>A on the coding strand, the complement: LIG1 is on the minus strand). VCF-style: chr19-48149835-C-T. GRCh37 (hg19) VCF-style: chr19-48653092-C-T.
Other names: c.611G>A, p.Arg204Gln (NM_001289063.2); c.500G>A, p.Arg167Gln (NM_001289064.2); c.701G>A, p.Arg234Gln (NM_001320970.2); c.614G>A, p.Arg205Gln (NM_001320971.2); c.704G>A (NM_000234.1); short protein forms R204Q, R234Q, R167Q, R205Q, R235Q.
Identifiers: ClinVar variation 1450666 (VCV001450666.6), dbSNP rs1040186184, ClinGen allele CA309309516.
Genomic context (GRCh38, chr19:48,149,835, plus strand): 5'-CCCTCCTTTCCTGGAGCCCCTGGCTCCTCTTCCTTCACTTCTTTTTTGACTGCTGGCTTC[C>T]GGGGGGCTAGGAATGAAGACAGAAAACAGTGGGTCTTTTCTCCTTCCGGTAGCCCCCACC-3'
Protein context (NP_000225.1, residues 225-245): PKTLSSFFTP[Arg235Gln]KPAVKKEVKE